The following is an entry in ClinVar:

ClinVar aggregate classification (germline): Benign. Review status: criteria provided, multiple submitters, no conflicts (2 of 4 stars). 12 submissions from 12 submitters: Benign (10). 2 of the submissions do not count toward it. Last evaluated 2026-02-03.

Conditions:
Neuropathy, hereditary sensory and autonomic, type 2A (HSAN2A). Also called: WNK1-Related HSAN2 (HSAN2A); HSAN IIA; ACROOSTEOLYSIS, GIACCAI TYPE; ACROOSTEOLYSIS, NEUROGENIC; MORVAN DISEASE; NEUROPATHY, CONGENITAL SENSORY. Identifiers: Orphanet 970, MedGen C2752089, MONDO:0024309, OMIM 201300.
Pseudohypoaldosteronism type 2C (PHA2C). Also called: Pseudohypoaldosteronism Type IIC. Identifiers: Orphanet 757, Orphanet 88940, MedGen C1840391, MONDO:0013778, OMIM 614492.

Allele frequency attached by ClinVar (database versions not stated): 1000 Genomes Project 30x 0.05418; TOPMed 0.05470; gnomAD 0.05498 and 0.05575; ESP Exome Variant Server 0.05544; 1000 Genomes Project 0.05691.
gnomAD v4.1: 106,349 of 1,613,962 alleles (6.6%); highest among the groups gnomAD compares: Middle Eastern, 11%; 3,853 homozygotes.

Submissions (12):

Labcorp Genetics (formerly Invitae), Labcorp
Classification: Benign for Neuropathy, hereditary sensory and autonomic, type 2A; Pseudohypoaldosteronism type 2C. Last evaluated: 2026-02-03. Review status: criteria provided, single submitter. Criteria: Invitae Variant Classification Sherloc (09022015). Collection method: clinical testing. Allele origin: germline.

ARUP Laboratories, Molecular Genetics and Genomics, ARUP Laboratories
Classification: Benign. Last evaluated: 2025-07-09. Review status: criteria provided, single submitter. Criteria: ARUP Molecular Germline Variant Investigation Process 2024. Collection method: clinical testing. Allele origin: germline.

Blueprint Genetics
Classification: Benign. Last evaluated: 2024-11-27. Review status: criteria provided, single submitter. Criteria: ACMG Guidelines, 2015. Collection method: clinical testing. Allele origin: germline.

Mayo Clinic Laboratories, Mayo Clinic
Classification: Benign. Last evaluated: 2022-09-23. Review status: criteria provided, single submitter. Criteria: ACMG Guidelines, 2015. Collection method: clinical testing. Allele origin: germline. Observed: 335 variant alleles.
Comment: BA1, BP4

Illumina Laboratory Services, Illumina
Classification: Benign for Pseudohypoaldosteronism type 2C. Last evaluated: 2018-01-12. Review status: criteria provided, single submitter. Criteria: ICSL Variant Classification Criteria 13 December 2019. Collection method: clinical testing. Allele origin: germline.
Comment: This variant was observed in the ICSL laboratory as part of a predisposition screen in an ostensibly healthy population. It had not been previously curated by ICSL or reported in the Human Gene Mutation Database (HGMD: prior to June 1st, 2018), and was therefore a candidate for classification through an automated scoring system. Utilizing variant allele frequency, disease prevalence and penetrance estimates, and inheritance mode, an automated score was calculated to assess if this variant is too frequent to cause the disease. Based on the score and internal cut-off values, a variant classified as benign is not then subjected to further curation. The score for this variant resulted in a classification of benign for this disease.

Athena Diagnostics
Classification: Benign for Neuropathy, hereditary sensory and autonomic, type 2A. Last evaluated: 2017-06-12. Review status: criteria provided, single submitter. Criteria: Athena Diagnostics Criteria. Collection method: clinical testing. Allele origin: germline.

Eurofins Ntd Llc (ga)
Classification: Benign. Last evaluated: 2016-05-02. Review status: criteria provided, single submitter. Criteria: EGL Classification Definitions 2015. Collection method: clinical testing. Allele origin: germline. Observed: 1 variant allele, 1 heterozygote.

GeneDx
Classification: Benign. Last evaluated: 2014-03-24. Review status: criteria provided, single submitter. Criteria: GeneDx Variant Classification (06012015). Collection method: clinical testing. Allele origin: germline. Affected: yes.
Comment: This variant is considered likely benign or benign based on one or more of the following criteria: it is a conservative change, it occurs at a poorly conserved position in the protein, it is predicted to be benign by multiple in silico algorithms, and/or has population frequency not consistent with disease.

Breakthrough Genomics
Classification: Benign. Review status: criteria provided, single submitter. Criteria: ACMG Guidelines, 2015. Collection method: not provided. Allele origin: germline. Inheritance: Autosomal recessive inheritance. Affected: yes.

PreventionGenetics, part of Exact Sciences
Classification: Benign. Review status: criteria provided, single submitter. Criteria: ACMG Guidelines, 2015. Collection method: clinical testing. Allele origin: germline.

Clinical Genetics, Academic Medical Center
Classification: Benign. Review status: no assertion criteria provided. Collection method: clinical testing. Allele origin: germline. Affected: yes. Study: VKGL Data-share Consensus. Not counted in ClinVar's aggregate classification.

Joint Genome Diagnostic Labs from Nijmegen and Maastricht, Radboudumc and MUMC+
Classification: Benign. Review status: no assertion criteria provided. Collection method: clinical testing. Allele origin: germline. Affected: yes. Study: VKGL Data-share Consensus. Not counted in ClinVar's aggregate classification.

NM_018979.4(WNK1):c.1994C>T (p.Thr665Ile)

Gene: WNK1 (WNK lysine deficient protein kinase 1; plus strand). Cytogenetic location: 12p13.33.
Variant type: single nucleotide variant.
Coding change: c.1994C>T on transcript NM_018979.4 (MANE Select); coding-DNA position 1994, C replaced by T.
Protein change: p.Thr665Ile; replaces threonine 665 with isoleucine.
Molecular consequence: missense variant.
Genome position (GRCh38, 1-based): chr12:862,125, C>T. VCF-style: chr12-862125-C-T. GRCh37 (hg19) VCF-style: chr12-971291-C-T.
Other names: p.T665I:ACA>ATA; c.1994C>T, p.Thr665Ile (NM_001184985.2, NM_014823.3, NM_213655.5); short protein forms T665I.
Identifiers: ClinVar variation 137924 (VCV000137924.39), dbSNP rs2286007, ClinGen allele CA291634.